The following is an entry in ClinVar:

ClinVar aggregate classification (germline): Uncertain significance (1 of 4 stars; one submission).

Conditions:
Intellectual disability and myopathy syndrome (IDMYS). Identifiers: MedGen C5676904, MONDO:0859224, OMIM 619719.
Atrial fibrillation, familial, 12 (ATFB12). Identifiers: MedGen C3279695, MONDO:0013545, OMIM 614050.
Dilated cardiomyopathy 1O (CMD1O). Also called: CARDIOMYOPATHY, DILATED, WITH VENTRICULAR TACHYCARDIA. Identifiers: Orphanet 154, MedGen C1837839, MONDO:0012062, OMIM 608569.
Hypertrichotic osteochondrodysplasia Cantu type. Also called: Cantú Syndrome; Cantu Syndrome. Identifiers: Orphanet 1517, MedGen C0795905, MONDO:0009406, OMIM 239850.

Submission:

Juno Genomics, Hangzhou Juno Genomics, Inc
Classification: Uncertain significance for Atrial fibrillation, familial, 12; Dilated cardiomyopathy 1O; Hypertrichotic osteochondrodysplasia Cantu type; Intellectual disability and myopathy syndrome. Review status: criteria provided, single submitter. Criteria: ACMG Guidelines, 2015. Collection method: clinical testing. Allele origin: germline.
Comment: Absent from controls (or at extremely low frequency if recessive) in Genome Aggregation Database.;Missense variant in a gene that has a low rate of benign missense variation.;Multiple lines of computational evidence support a deleterious effect on the gene or gene product.

NM_020297.4(ABCC9):c.1397T>C (p.Leu466Pro)

Gene: ABCC9 (ATP binding cassette subfamily C member 9; minus strand). Cytogenetic location: 12p12.1.
Variant type: single nucleotide variant.
Coding change: c.1397T>C on transcript NM_020297.4 (MANE Select); coding-DNA position 1397, T replaced by C.
Protein change: p.Leu466Pro; replaces leucine 466 with proline.
Molecular consequence: missense variant.
Genome position (GRCh38, 1-based): chr12:21,908,135, A>G on the plus strand (T>C on the coding strand, the complement: ABCC9 is on the minus strand). VCF-style: chr12-21908135-A-G. GRCh37 (hg19) VCF-style: chr12-22061069-A-G.
Other names: c.1397T>C, p.Leu466Pro (NM_001377273.1, NM_005691.4); c.533T>C, p.Leu178Pro (NM_001377274.1); short protein forms L178P, L466P.
Identifiers: ClinVar variation 5005078 (VCV005005078.2).